The following is an entry in ClinVar:

ClinVar aggregate classification (germline): Pathogenic (1 of 4 stars; one submission).

Conditions:
Familial adenomatous polyposis 1 (FAP1). Also called: FAMILIAL ADENOMATOUS POLYPOSIS 1, ATTENUATED; POLYPOSIS, ADENOMATOUS INTESTINAL. Identifiers: MedGen C2713442, MONDO:0021056, OMIM 175100. Disease mechanism: loss of function.

Submission:

Myriad Genetics, Inc.
Classification: Pathogenic for Familial adenomatous polyposis 1. Last evaluated: 2023-04-27. Review status: criteria provided, single submitter. Criteria: Myriad Autosomal Dominant, Autosomal Recessive and X-Linked Classification Criteria (2023). Collection method: clinical testing. Allele origin: unknown.
Comment: This variant is considered pathogenic. This variant creates a termination codon and is predicted to result in premature protein truncation.

NM_000038.6(APC):c.621C>A (p.Cys207Ter)

Gene: APC (APC regulator of Wnt signaling pathway; plus strand). Cytogenetic location: 5q22.2.
Variant type: single nucleotide variant.
Coding change: c.621C>A on transcript NM_000038.6 (MANE Select); coding-DNA position 621, C replaced by A.
Protein change: p.Cys207Ter; replaces cysteine 207 with a stop codon.
Molecular consequence: nonsense. On other transcripts: 5 prime UTR variant (4), non-coding transcript variant (2).
Genome position (GRCh38, 1-based): chr5:112,780,879, C>A. VCF-style: chr5-112780879-C-A. GRCh37 (hg19) VCF-style: chr5-112116576-C-A.
Other names: c.621C>A, p.Cys207Ter (NM_001127510.3, NM_001354895.2, NM_001354896.2 and 16 more transcripts); c.651C>A, p.Cys217Ter (NM_001127511.3, NM_001354897.2, NM_001354902.2 and 1 more transcripts); c.546C>A, p.Cys182Ter (NM_001354898.2, NM_001354904.2, NM_001407451.1); c.444C>A, p.Cys148Ter (NM_001354900.2, NM_001354901.2, NM_001354905.2 and 1 more transcripts); c.-415C>A (NM_001354906.2, NM_001407470.1, NM_001407471.1 and 1 more transcripts); short protein forms C148*, C182*, C207*, C217*.
Identifiers: ClinVar variation 2584144 (VCV002584144.1), dbSNP rs2149640773, ClinGen allele CA16022696.
Genomic context (GRCh38, chr5:112,780,879, plus strand): 5'-GCAATTGGAATATGAAGCAAGGCAAATCAGAGTTGCGATGGAAGAACAACTAGGTACCTG[C>A]CAGGATATGGAAAAACGAGCACAGGTAAGTTACTTGTTTCTAAGTGATAAAACAGCGAAG-3'